The following is an entry in ClinVar:

NM_004369.4(COL6A3):c.2431C>T (p.Gln811Ter)

Gene: COL6A3 (collagen type VI alpha 3 chain; minus strand). Cytogenetic location: 2q37.3.
Variant type: single nucleotide variant.
Coding change: c.2431C>T on transcript NM_004369.4 (MANE Select); coding-DNA position 2431, C replaced by T.
Protein change: p.Gln811Ter; replaces glutamine 811 with a stop codon.
Molecular consequence: nonsense. On other transcripts: intron variant (1).
Genome position (GRCh38, 1-based): chr2:237,378,702, G>A on the plus strand (C>T on the coding strand, the complement: COL6A3 is on the minus strand). VCF-style: chr2-237378702-G-A. GRCh37 (hg19) VCF-style: chr2-238287345-G-A.
Other names: c.1210C>T, p.Gln404Ter (NM_057164.5); c.1813C>T, p.Gln605Ter (NM_057165.5, NM_057167.4); c.677-1358C>T (NM_057166.5); short protein forms Q605*, Q811*, Q404*.
Identifiers: ClinVar variation 655400 (VCV000655400.7), dbSNP rs1574719512, ClinGen allele CA351212497.

ClinVar aggregate classification (germline): Pathogenic (1 of 4 stars; one submission).

Conditions:
Bethlem myopathy 1A. Also called: Bethlem Muscular Dystrophy; Bethlem myopathy 1; MYOPATHY, BENIGN CONGENITAL, WITH CONTRACTURES. Identifiers: Orphanet 610, MedGen CN029274, MONDO:0024530, OMIM 158810.

Submission:

Labcorp Genetics (formerly Invitae), Labcorp
Classification: Pathogenic for Bethlem myopathy 1A. Last evaluated: 2018-12-25. Review status: criteria provided, single submitter. Criteria: Invitae Variant Classification Sherloc (09022015). Collection method: clinical testing. Allele origin: germline.
Comment: For these reasons, this variant has been classified as Pathogenic. Loss-of-function variants in COL6A3 are known to be pathogenic (PMID: 26004199). This variant has not been reported in the literature in individuals with COL6A3-related conditions. This variant is not present in population databases (ExAC no frequency). This sequence change creates a premature translational stop signal (p.Gln811*) in the COL6A3 gene. It is expected to result in an absent or disrupted protein product.

Literature cited by the submitters: PubMed 26004199.